The following is an entry in ClinVar:

ClinVar aggregate classification (germline): Likely benign (1 of 4 stars; one submission).

Conditions:
X-linked progressive cerebellar ataxia. Also called: Spinocerebellar ataxia, X-linked 1; OLIVOPONTOCEREBELLAR ATROPHY, X-LINKED; OPCA, X-LINKED. Identifiers: Orphanet 1175, MedGen C0796205, MONDO:0010547, OMIM 302500.

Submission:

Centre for Medical Genetics,  Mumbai
Classification: Likely benign for X-linked progressive cerebellar ataxia. Last evaluated: 2026-02-21. Review status: criteria provided, single submitter. Criteria: ACMG Guidelines, 2015. Collection method: provider interpretation. Allele origin: germline. Inheritance: X-linked recessive inheritance. Affected: no. Observed: 1 homozygote.
Comment: The variant satisfies PM2 criteria; extremely low frequency in gnomAD population databases. However, the variant satisfies BS2 criteria.

Literature cited by the submitters: PubMed 10797423.

NM_001001344.3(ATP2B3):c.1646G>C (p.Gly549Ala)

Gene: ATP2B3 (ATPase plasma membrane Ca2+ transporting 3; plus strand). Cytogenetic location: Xq28.
Variant type: single nucleotide variant.
Coding change: c.1646G>C on transcript NM_001001344.3 (MANE Select); coding-DNA position 1646, G replaced by C.
Protein change: p.Gly549Ala; replaces glycine 549 with alanine.
Molecular consequence: missense variant.
Genome position (GRCh38, 1-based): chrX:153,550,109, G>C. VCF-style: chrX-153550109-G-C. GRCh37 (hg19) VCF-style: chrX-152815567-G-C.
Other names: c.1646G>C, p.Gly549Ala (NM_001388360.1, NM_001388361.1, NM_001388362.1 and 1 more transcripts); c.1604G>C, p.Gly535Ala (NM_001410708.1); short protein forms G535A, G549A.
Identifiers: ClinVar variation 4812943 (VCV004812943.1).